The following is an entry in ClinVar:

ClinVar aggregate classification (germline): Uncertain significance (1 of 4 stars; one submission).

Submission:

GeneDx
Classification: Uncertain significance. Last evaluated: 2022-04-27. Review status: criteria provided, single submitter. Criteria: GeneDx Variant Classification Process June 2021. Collection method: clinical testing. Allele origin: germline. Affected: yes.
Comment: Not observed at significant frequency in large population cohorts (gnomAD); In silico analysis supports that this missense variant has a deleterious effect on protein structure/function; Has not been previously published as pathogenic or benign to our knowledge

NM_006922.4(SCN3A):c.5097G>T (p.Met1699Ile)

Gene: SCN3A (sodium voltage-gated channel alpha subunit 3; minus strand). Cytogenetic location: 2q24.3.
Variant type: single nucleotide variant.
Coding change: c.5097G>T on transcript NM_006922.4 (MANE Select); coding-DNA position 5097, G replaced by T.
Protein change: p.Met1699Ile; replaces methionine 1699 with isoleucine.
Molecular consequence: missense variant.
Genome position (GRCh38, 1-based): chr2:165,091,056, C>A on the plus strand (G>T on the coding strand, the complement: SCN3A is on the minus strand). VCF-style: chr2-165091056-C-A. GRCh37 (hg19) VCF-style: chr2-165947566-C-A.
Other names: c.4950G>T, p.Met1650Ile (NM_001081676.2, NM_001081677.2); short protein forms M1650I, M1699I.
Identifiers: ClinVar variation 1712670 (VCV001712670.2), dbSNP rs2468041003, ClinGen allele CA349017256.
Genomic context (GRCh38, chr2:165,091,056, plus strand): 5'-AAGAATAGGTGCTAGCAATCCATCCCAGCCAGCAGAGGTTGTAATTTGGAACAAGCAGAT[C>A]ATGCTGTTGCCAAAGGTCTCAAAGTTGAACATGTCATCAATTCCAGCTTCCTTTTTAACA-3'
Protein context (NP_008853.3, residues 1689-1709): MFNFETFGNS[Met1699Ile]ICLFQITTSA